The following is an entry in ClinVar:

NM_001110556.2(FLNA):c.2974A>G (p.Thr992Ala)

Gene: FLNA (filamin A; minus strand). Cytogenetic location: Xq28.
Variant type: single nucleotide variant.
Coding change: c.2974A>G on transcript NM_001110556.2 (MANE Select); coding-DNA position 2974, A replaced by G.
Protein change: p.Thr992Ala; replaces threonine 992 with alanine.
Molecular consequence: missense variant.
Genome position (GRCh38, 1-based): chrX:154,361,541, T>C on the plus strand (A>G on the coding strand, the complement: FLNA is on the minus strand). VCF-style: chrX-154361541-T-C. GRCh37 (hg19) VCF-style: chrX-153589909-T-C.
Other names: p.Thr992Ala; c.2974A>G, p.Thr992Ala (NM_001456.4); short protein forms T992A.
Identifiers: ClinVar variation 588552 (VCV000588552.20), dbSNP rs782445995, ClinGen allele CA10560791.

ClinVar aggregate classification (germline): Conflicting classifications of pathogenicity. Review status: criteria provided, conflicting classifications (1 of 4 stars). 4 submissions from 4 submitters: Uncertain significance (3); Likely benign (1). Last evaluated 2025-11-09.

Conditions:
Heterotopia, periventricular, X-linked dominant (PVNH1). Also called: PERIVENTRICULAR NODULAR HETEROTOPIA 4; HETEROTOPIA, PERIVENTRICULAR, 1; PERIVENTRICULAR NODULAR HETEROTOPIA 1; X-linked periventricular heterotopia. Identifiers: Orphanet 2149, Orphanet 82004, MedGen C1848213, MONDO:0010233, OMIM 300049.
Melnick-Needles syndrome (MNS). Also called: Melnick-Needles Syndrome (FLNA-MNS); MELNICK-NEEDLES OSTEODYSPLASTY; OSTEODYSPLASTY OF MELNICK AND NEEDLES. Identifiers: Orphanet 2484, MedGen C0025237, MONDO:0010650, OMIM 309350.
Frontometaphyseal dysplasia (FMD1). Identifiers: Orphanet 1826, MedGen C0265293, MONDO:0015942.
Oto-palato-digital syndrome, type II (OPD2). Also called: Otopalatodigital Syndrome Type 2 (FLNA-OPD2); Otopalatodigital Syndrome, Type II; FACIOPALATOOSSEOUS SYNDROME; OPD II SYNDROME. Identifiers: Orphanet 669, Orphanet 90652, MedGen C1844696, MONDO:0010571, OMIM 304120.
Intestinal pseudoobstruction, neuronal, chronic idiopathic, X-linked (CIIPX). Also called: CONGENITAL IDIOPATHIC INTESTINAL PSEUDOOBSTRUCTION; FLNA-Related Periventricular Nodular Heterotopia (FLNA-Related PVNH; Huttenlocher Syndrome); INTESTINAL PSEUDOOBSTRUCTION, NEURONAL, CHRONIC IDIOPATHIC, WITH CENTRAL NERVOUS SYSTEM INVOLVEMENT. Identifiers: Orphanet 2301, MedGen C2746068, MONDO:0010232, OMIM 300048.
Oto-palato-digital syndrome, type I (OPD1). Also called: Otopalatodigital Syndrome Type 1 (FLNA-OPD1); Otopalatodigital Syndrome, Type I; OPD I SYNDROME; OPD SYNDROME 1; Taybi syndrome. Identifiers: Orphanet 669, Orphanet 90650, MedGen C0265251, MONDO:0010704, OMIM 311300.
Cardiac valvular dysplasia, X-linked (CVDPX). Also called: FLNA-Related X-linked Cardiac Valvular Dysplasia; MYXOMATOUS VALVULAR DYSTROPHY, X-LINKED; VALVULAR HEART DISEASE, CONGENITAL; Congenital valvular dysplasia; Isolated X-Linked Cardiac Valvular Dysplasia. Identifiers: Orphanet 1864, Orphanet 555877, Orphanet 75497, MedGen C0262436, MONDO:0010753, OMIM 314400.
Terminal osseous dysplasia-pigmentary defects syndrome. Also called: ODPD; TERMINAL OSSEOUS DYSPLASIA AND PIGMENTARY DEFECTS; Terminal Osseous Dysplasia (FLNA-TOD); ODPF SYNDROME; OSSEOUS DYSPLASIA, DIGITAL, WITH FACIAL PIGMENTARY DEFECTS AND MULTIPLE FRENULA. Identifiers: Orphanet 88630, MedGen C1846129, MONDO:0010279, OMIM 300244.
FG syndrome 2 (FGS2). Identifiers: MedGen C1845902, MONDO:0010297, OMIM 300321.
Frontometaphyseal dysplasia 1 (FMD1). Also called: Frontometaphyseal Dysplasia (FLNA-FMD). Identifiers: Orphanet 1826, MedGen C4281559, MONDO:0024550, OMIM 305620.
Familial thoracic aortic aneurysm and aortic dissection (TAAD). Also called: Thoracic aortic aneurysms and dissections. Identifiers: Orphanet 91387, MedGen C4707243, MONDO:0019625.

Allele frequency attached by ClinVar (database versions not stated): TOPMed below 0.00001; ExAC 0.00001; gnomAD exomes 0.00001 and 0.00002; gnomAD 0.00002 and 0.00003; 1000 Genomes Project 30x 0.00021; 1000 Genomes Project 0.00026.
gnomAD v4.1: 8 of 1,209,695 alleles (0.00066%); highest among the groups gnomAD compares: Admixed American, 0.0066%; no homozygotes.

Submissions (4):

Labcorp Genetics (formerly Invitae), Labcorp
Classification: Likely benign for Oto-palato-digital syndrome, type II; Heterotopia, periventricular, X-linked dominant; Frontometaphyseal dysplasia; Melnick-Needles syndrome. Last evaluated: 2025-11-09. Review status: criteria provided, single submitter. Criteria: Invitae Variant Classification Sherloc (09022015). Collection method: clinical testing. Allele origin: germline.

Mayo Clinic Laboratories, Mayo Clinic
Classification: Uncertain significance. Last evaluated: 2025-09-09. Review status: criteria provided, single submitter. Criteria: ACMG Guidelines, 2015. Collection method: clinical testing. Allele origin: germline. Observed: 2 variant alleles.

Ambry Genetics
Classification: Uncertain significance for Familial thoracic aortic aneurysm and aortic dissection. Last evaluated: 2016-12-14. Review status: criteria provided, single submitter. Criteria: Ambry Variant Classification Scheme 2023. Collection method: clinical testing. Allele origin: germline.
Comment: The p.T992A variant (also known as c.2974A>G), located in coding exon 20 of the FLNA gene, results from an A to G substitution at nucleotide position 2974. The threonine at codon 992 is replaced by alanine, an amino acid with similar properties. This amino acid position is well conserved in available vertebrate species. In addition, this alteration is predicted to be tolerated by in silico analysis. Since supporting evidence is limited at this time, the clinical significance of this alteration remains unclear.

Center for Genomics, Ann and Robert H. Lurie Children's Hospital of Chicago
Classification: Uncertain significance for Oto-palato-digital syndrome, type II; Intestinal pseudoobstruction, neuronal, chronic idiopathic, X-linked; Cardiac valvular dysplasia, X-linked; FG syndrome 2; Melnick-Needles syndrome; Terminal osseous dysplasia-pigmentary defects syndrome; Oto-palato-digital syndrome, type I; Heterotopia, periventricular, X-linked dominant; Frontometaphyseal dysplasia 1. Review status: criteria provided, single submitter. Criteria: ACMG Guidelines, 2015. Collection method: clinical testing. Allele origin: germline.
Comment: FLNA NM_001110556 exon 21 p.Thr992Ala (c.2974A>G): This variant has not been reported in the literature but is present in 3/79826 European individuals, including 2 hemizygotes in the Genome Aggregation Database. Evolutionary conservation and computational predictive tools suggest that this variant may not impact the protein. In summary, data on this variant is insufficient for disease classification. Therefore, the clinical significance of this variant is uncertain.